The following is an entry in ClinVar:

ClinVar aggregate classification (germline): Uncertain significance. Review status: criteria provided, multiple submitters, no conflicts (2 of 4 stars). 2 submissions from 2 submitters: Uncertain significance (2). Last evaluated 2023-10-10.

Conditions:
Inborn genetic diseases. Identifiers: MedGen C0950123, MeSH D030342.
Congenital disorder of glycosylation type 1E (CDG1E). Also called: CDG Ie; CONGENITAL DISORDER OF GLYCOSYLATION, TYPE Ie. Identifiers: Orphanet 79322, MedGen C1837396, MONDO:0012123, OMIM 608799.

Allele frequency attached by ClinVar (database versions not stated): gnomAD 0.00001 and 0.00002; ExAC 0.00002; gnomAD exomes 0.00002 and 0.00003; TOPMed 0.00002.
gnomAD v4.1: 28 of 1,613,460 alleles (0.0017%); highest among the groups gnomAD compares: South Asian, 0.0033%; no homozygotes.

Submissions (2):

Ambry Genetics
Classification: Uncertain significance for Inborn genetic diseases. Last evaluated: 2023-10-10. Review status: criteria provided, single submitter. Criteria: Ambry Variant Classification Scheme 2023. Collection method: clinical testing. Allele origin: germline.

Labcorp Genetics (formerly Invitae), Labcorp
Classification: Uncertain significance for Congenital disorder of glycosylation type 1E. Last evaluated: 2022-07-07. Review status: criteria provided, single submitter. Criteria: Invitae Variant Classification Sherloc (09022015). Collection method: clinical testing. Allele origin: germline.
Comment: This sequence change replaces arginine, which is basic and polar, with glutamine, which is neutral and polar, at codon 216 of the DPM1 protein (p.Arg216Gln). This variant is present in population databases (rs769390268, gnomAD 0.006%). This variant has not been reported in the literature in individuals affected with DPM1-related conditions. ClinVar contains an entry for this variant (Variation ID: 1430973). Algorithms developed to predict the effect of missense changes on protein structure and function are either unavailable or do not agree on the potential impact of this missense change (SIFT: "Deleterious"; PolyPhen-2: "Benign"; Align-GVGD: "Class C0"). In summary, the available evidence is currently insufficient to determine the role of this variant in disease. Therefore, it has been classified as a Variant of Uncertain Significance.

NM_003859.3(DPM1):c.647G>A (p.Arg216Gln)

Genes: DPM1 (dolichyl-phosphate mannosyltransferase subunit 1, catalytic; minus strand), ADNP-AS1 (ADNP antisense RNA 1; plus strand). Cytogenetic location: 20q13.13.
Variant type: single nucleotide variant.
Coding change: c.647G>A on transcript NM_003859.3 (MANE Select); coding-DNA position 647, G replaced by A.
Protein change: p.Arg216Gln; replaces arginine 216 with glutamine.
Molecular consequence: missense variant. On other transcripts: non-coding transcript variant (1).
Genome position (GRCh38, 1-based): chr20:50,936,179, C>T on the plus strand (G>A on the coding strand, the complement: DPM1 is on the minus strand). VCF-style: chr20-50936179-C-T. GRCh37 (hg19) VCF-style: chr20-49552716-C-T.
Other names: c.752G>A, p.Arg251Gln (NM_001317034.1); c.728G>A, p.Arg243Gln (NM_001317035.1); c.578G>A, p.Arg193Gln (NM_001317036.1); c.647G>A (NM_003859.1); short protein forms R216Q, R243Q, R193Q, R251Q.
Identifiers: ClinVar variation 1430973 (VCV001430973.4), dbSNP rs769390268, ClinGen allele CA9909029.